The following is an entry in ClinVar:

ClinVar aggregate classification (germline): Uncertain significance. Review status: criteria provided, multiple submitters, no conflicts (2 of 4 stars). 2 submissions from 2 submitters: Uncertain significance (2). Last evaluated 2026-07-22.

Conditions:
Peroxisome biogenesis disorder 11A (Zellweger). Also called: Peroxisome biogenesis disorder 11A. Identifiers: Orphanet 912, MedGen C3554000, MONDO:0013949, OMIM 614883.
PEX13-related disorder. Also called: PEX13-related condition; PEX13-related disorders.

Allele frequency attached by ClinVar (database versions not stated): gnomAD exomes 0.00001; TOPMed 0.00003.
gnomAD v4.1: 48 of 1,614,044 alleles (0.003%); highest among the groups gnomAD compares: Non-Finnish European, 0.0037%; no homozygotes.

Submissions (2):

PreventionGenetics, part of Exact Sciences
Classification: Uncertain significance for PEX13-related condition. Last evaluated: 2026-07-22. Review status: criteria provided, single submitter. Criteria: ACMG Guidelines, 2015. Collection method: clinical testing. Allele origin: germline.
Comment: The PEX13 c.1058A>G variant is predicted to result in the amino acid substitution p.Gln353Arg. To our knowledge, this variant has not been reported in the literature. This variant is reported in 0.0018% of alleles in individuals of European (Non-Finnish) descent in gnomAD. At this time, the clinical significance of this variant is uncertain due to the absence of conclusive functional and genetic evidence.

Labcorp Genetics (formerly Invitae), Labcorp
Classification: Uncertain significance for Peroxisome biogenesis disorder 11A (Zellweger). Last evaluated: 2022-08-16. Review status: criteria provided, single submitter. Criteria: Invitae Variant Classification Sherloc (09022015). Collection method: clinical testing. Allele origin: germline.
Comment: This sequence change replaces glutamine, which is neutral and polar, with arginine, which is basic and polar, at codon 353 of the PEX13 protein (p.Gln353Arg). This variant is present in population databases (rs755510406, gnomAD 0.002%). This variant has not been reported in the literature in individuals affected with PEX13-related conditions. ClinVar contains an entry for this variant (Variation ID: 970801). Algorithms developed to predict the effect of missense changes on protein structure and function output the following: SIFT: "Tolerated"; PolyPhen-2: "Benign"; Align-GVGD: "Class C0". The arginine amino acid residue is found in multiple mammalian species, which suggests that this missense change does not adversely affect protein function. In summary, the available evidence is currently insufficient to determine the role of this variant in disease. Therefore, it has been classified as a Variant of Uncertain Significance.

NM_002618.4(PEX13):c.1058A>G (p.Gln353Arg)

Gene: PEX13 (peroxisomal biogenesis factor 13; plus strand). Cytogenetic location: 2p15.
Variant type: single nucleotide variant.
Coding change: c.1058A>G on transcript NM_002618.4 (MANE Select); coding-DNA position 1058, A replaced by G.
Protein change: p.Gln353Arg; replaces glutamine 353 with arginine.
Molecular consequence: missense variant.
Genome position (GRCh38, 1-based): chr2:61,048,616, A>G. VCF-style: chr2-61048616-A-G. GRCh37 (hg19) VCF-style: chr2-61275751-A-G.
Other names: short protein forms Q353R.
Identifiers: ClinVar variation 970801 (VCV000970801.7), dbSNP rs755510406, ClinGen allele CA48356039.